The following is an entry in ClinVar:

NM_032119.4(ADGRV1):c.8941G>A (p.Val2981Ile)

Gene: ADGRV1 (adhesion G protein-coupled receptor V1; plus strand). Cytogenetic location: 5q14.3.
Variant type: single nucleotide variant.
Coding change: c.8941G>A on transcript NM_032119.4 (MANE Select); coding-DNA position 8941, G replaced by A.
Protein change: p.Val2981Ile; replaces valine 2981 with isoleucine.
Molecular consequence: missense variant. On other transcripts: non-coding transcript variant (1).
Genome position (GRCh38, 1-based): chr5:90,711,221, G>A. VCF-style: chr5-90711221-G-A. GRCh37 (hg19) VCF-style: chr5-90007038-G-A.
Other names: c.8941G>A (NM_032119.3); short protein forms V2981I.
Identifiers: ClinVar variation 1521656 (VCV001521656.12), dbSNP rs779145615, ClinGen allele CA3340409.

ClinVar aggregate classification (germline): Conflicting classifications of pathogenicity. Review status: criteria provided, conflicting classifications (1 of 4 stars). 5 submissions from 5 submitters: Uncertain significance (4); Likely benign (1). Last evaluated 2026-06-22.

Conditions:
Inborn genetic diseases. Identifiers: MedGen C0950123, MeSH D030342.
ADGRV1-related disorder. Also called: ADGRV1-related condition; ADGRV1-related disorders.

Allele frequency attached by ClinVar (database versions not stated): gnomAD 0.00001 and 0.00002; ExAC 0.00002; gnomAD exomes 0.00002 and 0.00003; TOPMed 0.00003.
gnomAD v4.1: 43 of 1,612,608 alleles (0.0027%); highest among the groups gnomAD compares: Non-Finnish European, 0.0035%; no homozygotes.

Submissions (5):

PreventionGenetics, part of Exact Sciences
Classification: Uncertain significance for ADGRV1-related condition. Last evaluated: 2026-06-22. Review status: criteria provided, single submitter. Criteria: ACMG Guidelines, 2015. Collection method: clinical testing. Allele origin: germline.
Comment: The ADGRV1 c.8941G>A variant is predicted to result in the amino acid substitution p.Val2981Ile. To our knowledge, this variant has not been reported in the literature. This variant is reported in 0.0044% of alleles in individuals of European (Non-Finnish) descent in gnomAD. At this time, the clinical significance of this variant is uncertain due to the absence of conclusive functional and genetic evidence.

Ambry Genetics
Classification: Uncertain significance for Inborn genetic diseases. Last evaluated: 2025-12-15. Review status: criteria provided, single submitter. Criteria: Ambry Variant Classification Scheme 2023. Collection method: clinical testing. Allele origin: germline.

Labcorp Genetics (formerly Invitae), Labcorp
Classification: Likely benign. Last evaluated: 2025-07-04. Review status: criteria provided, single submitter. Criteria: Invitae Variant Classification Sherloc (09022015). Collection method: clinical testing. Allele origin: germline.

GeneDx
Classification: Uncertain significance. Last evaluated: 2025-01-08. Review status: criteria provided, single submitter. Criteria: GeneDx Variant Classification Process June 2021. Collection method: clinical testing. Allele origin: germline. Affected: yes.
Comment: Not observed at significant frequency in large population cohorts (gnomAD); In silico analysis indicates that this missense variant does not alter protein structure/function; Has not been previously published as pathogenic or benign to our knowledge

Blueprint Genetics
Classification: Uncertain significance. Last evaluated: 2024-09-20. Review status: criteria provided, single submitter. Criteria: ACMG Guidelines, 2015. Collection method: clinical testing. Allele origin: germline.